The following is an entry in ClinVar:

ClinVar aggregate classification (germline): Conflicting classifications of pathogenicity. Review status: criteria provided, conflicting classifications (1 of 4 stars). 2 submissions from 2 submitters: Likely pathogenic (1); Uncertain significance (1). Last evaluated 2024-10-18.

Conditions:
Autosomal recessive limb-girdle muscular dystrophy type 2J (LGMDR10). Also called: Limb-girdle muscular dystrophy, type 2J; MUSCULAR DYSTROPHY, LIMB-GIRDLE, AUTOSOMAL RECESSIVE 10. Identifiers: Orphanet 140922, MedGen C1837342, MONDO:0012127, OMIM 608807.
Dilated cardiomyopathy 1G (CMD1G). Identifiers: Orphanet 154, MedGen C1858763, MONDO:0011400, OMIM 604145.

Allele frequency attached by ClinVar (database versions not stated): gnomAD exomes below 0.00001 and 0.00001; gnomAD 0.00001; TOPMed 0.00001.
gnomAD v4.1: 8 of 1,613,528 alleles (0.0005%); highest among the groups gnomAD compares: African/African-American, 0.0013%; no homozygotes.

Submissions (2):

Labcorp Genetics (formerly Invitae), Labcorp
Classification: Likely pathogenic for Dilated cardiomyopathy 1G; Autosomal recessive limb-girdle muscular dystrophy type 2J. Last evaluated: 2024-10-18. Review status: criteria provided, single submitter. Criteria: Invitae Variant Classification Sherloc (09022015). Collection method: clinical testing. Allele origin: germline.
Comment: This sequence change creates a premature translational stop signal (p.Arg5116*) in the TTN gene. While this is not anticipated to result in nonsense mediated decay, it is expected to create a truncated TTN protein. This variant is present in population databases (no rsID available, gnomAD 0.004%). This premature translational stop signal has been observed in individual(s) with inclusion body myopathy (PMID: 28256728). ClinVar contains an entry for this variant (Variation ID: 373536). This variant is located in the I band of TTN (PMID: 25589632). Truncating variants in this region have been reported in individuals affected with autosomal recessive centronuclear myopathy (PMID: 23975875, internal data). Truncating variants in this region have also been identified in individuals affected with autosomal dominant dilated cardiomyopathy and/or cardio-related conditions (PMID: 27869827, 32964742, internal data). In summary, the currently available evidence indicates that the variant is pathogenic, but additional data are needed to prove that conclusively. Therefore, this variant has been classified as Likely Pathogenic.

GeneDx
Classification: Uncertain significance. Last evaluated: 2016-11-29. Review status: criteria provided, single submitter. Criteria: GeneDx Variant Classification (06012015). Collection method: clinical testing. Allele origin: germline. Affected: yes.
Comment: The R3872X variant has not been published as a pathogenic variant, nor has it been reported as a benign variant to our knowledge. The R3872X variant is not observed in large population cohorts (Lek et al., 2016; 1000 Genomes Consortium et al., 2015; Exome Variant Server). This nonsense variant is predicted to cause loss of normal protein function either through protein truncation or nonsense-mediated mRNA decay. However, the R3872X variant is not located in the A-band nor the M-line region of titin, where the majority of pathogenic truncating variants have been reported.

Literature cited by the submitters: PubMed 28256728 (cited by Labcorp Genetics (formerly Invitae), Labcorp); PubMed 25589632 (cited by Labcorp Genetics (formerly Invitae), Labcorp); PubMed 23975875 (cited by Labcorp Genetics (formerly Invitae), Labcorp); PubMed 27869827 (cited by Labcorp Genetics (formerly Invitae), Labcorp); PubMed 32964742 (cited by Labcorp Genetics (formerly Invitae), Labcorp).

NM_001267550.2(TTN):c.15346C>T (p.Arg5116Ter)

Gene: TTN (titin; minus strand). Cytogenetic location: 2q31.2.
Variant type: single nucleotide variant.
Coding change: c.15346C>T on transcript NM_001267550.2 (MANE Select); coding-DNA position 15346, C replaced by T.
Protein change: p.Arg5116Ter; replaces arginine 5116 with a stop codon.
Molecular consequence: nonsense. On other transcripts: intron variant (3).
Genome position (GRCh38, 1-based): chr2:178,734,478, G>A on the plus strand (C>T on the coding strand, the complement: TTN is on the minus strand). VCF-style: chr2-178734478-G-A. GRCh37 (hg19) VCF-style: chr2-179599205-G-A.
Other names: c.14395C>T, p.Arg4799Ter (NM_001256850.1); c.11614C>T, p.Arg3872Ter (NM_133378.4); c.13282+3604C>T (NM_003319.4); c.13858+3604C>T (NM_133437.4); c.13657+3604C>T (NM_133432.3); short protein forms R4799*, R5116*, R3872*.
Identifiers: ClinVar variation 373536 (VCV000373536.7), dbSNP rs1057518470, ClinGen allele CA16042422.
Genomic context (GRCh38, chr2:178,734,478, plus strand): 5'-AAAAGATCTCCAGACACACAAGAGACTTCTGAGAAAACAATCTGTATTTTTTACTACTTC[G>A]AATTTGTTTCTTGTCTTTGAACCAGCTAATTTCAAATGGTCCAGTGCCTGAGACTTCACA-3'